The following is an entry in ClinVar:

NM_198253.3(TERT):c.2793C>T (p.Cys931=)

Gene: TERT (telomerase reverse transcriptase; minus strand). Cytogenetic location: 5p15.33.
Variant type: single nucleotide variant.
Coding change: c.2793C>T on transcript NM_198253.3 (MANE Select); coding-DNA position 2793, C replaced by T.
Protein change: p.Cys931=; no amino-acid change (cysteine 931 retained).
Molecular consequence: synonymous variant. On other transcripts: intron variant (1).
Genome position (GRCh38, 1-based): chr5:1,264,454, G>A on the plus strand (C>T on the coding strand, the complement: TERT is on the minus strand). VCF-style: chr5-1264454-G-A. GRCh37 (hg19) VCF-style: chr5-1264569-G-A.
Other names: c.2654+2010C>T (NM_001193376.3).
Identifiers: ClinVar variation 228006 (VCV000228006.26), dbSNP rs764925909, ClinGen allele CA3184395.
Genomic context (GRCh38, chr5:1,264,454, plus strand): 5'-GTGCGCTCACCTGGAGTAGTCGCTCTGCACCTCCAGGGTCCGGGTATCCAGCAGCAGGCC[G>A]CACCAGGGGAATAGGCCGTGGGCCGGCATCTGAACAAAAGCCGTGCCACCCAGGGCCTCG-3'
Protein context (NP_937983.2, residues 921-941): QMPAHGLFPW[Cys931=]GLLLDTRTLE

ClinVar aggregate classification (germline): Likely benign. Review status: criteria provided, multiple submitters, no conflicts (2 of 4 stars). 7 submissions from 7 submitters: Likely benign (7). Last evaluated 2025-11-12.

Conditions:
Dyskeratosis congenita, autosomal dominant 2. Identifiers: MedGen C3151443, MONDO:0013521, OMIM 613989.
Idiopathic Pulmonary Fibrosis. Also called: Idiopathic fibrosing alveolitis, chronic form; idiopathic fibrosing alveolitis. Identifiers: Orphanet 2032, MedGen C1800706, MeSH D054990, MONDO:0800504.
Dyskeratosis congenita. Identifiers: Orphanet 1775, MedGen C0265965, MONDO:0015780.

Allele frequency attached by ClinVar (database versions not stated): ExAC 0.00001; gnomAD exomes 0.00002; TOPMed 0.00002; gnomAD 0.00003 and 0.00004.
gnomAD v4.1: 34 of 1,613,588 alleles (0.0021%); highest among the groups gnomAD compares: African/African-American, 0.0053%; no homozygotes.

Submissions (7):

Women's Health and Genetics/Laboratory Corporation of America, LabCorp
Classification: Likely benign. Last evaluated: 2025-11-12. Review status: criteria provided, single submitter. Criteria: LabCorp Variant Classification Summary - May 2015. Collection method: clinical testing. Allele origin: germline.

Labcorp Genetics (formerly Invitae), Labcorp
Classification: Likely benign for Dyskeratosis congenita, autosomal dominant 2; Idiopathic Pulmonary Fibrosis. Last evaluated: 2025-10-16. Review status: criteria provided, single submitter. Criteria: Invitae Variant Classification Sherloc (09022015). Collection method: clinical testing. Allele origin: germline.

CeGaT Center for Human Genetics Tuebingen
Classification: Likely benign. Last evaluated: 2025-09-01. Review status: criteria provided, single submitter. Criteria: CeGaT Center For Human Genetics Tuebingen Variant Classification Criteria Version 2. Collection method: clinical testing. Allele origin: germline. Affected: yes. Observed: 2 variant alleles.
Comment: TERT: BP4, BP7

Ambry Genetics
Classification: Likely benign for Dyskeratosis congenita. Last evaluated: 2025-04-01. Review status: criteria provided, single submitter. Criteria: Ambry Variant Classification Scheme 2023. Collection method: clinical testing. Allele origin: germline.

Blueprint Genetics
Classification: Likely benign. Last evaluated: 2023-11-02. Review status: criteria provided, single submitter. Criteria: ACMG Guidelines, 2015. Collection method: clinical testing. Allele origin: germline.

Sema4
Classification: Likely benign for Dyskeratosis congenita. Last evaluated: 2021-08-16. Review status: criteria provided, single submitter. Criteria: Sema4 Curation Guidelines. Collection method: curation. Allele origin: germline.

Laboratory for Molecular Medicine, Mass General Brigham Personalized Medicine
Classification: Likely benign. Last evaluated: 2015-12-16. Review status: criteria provided, single submitter. Criteria: LMM Criteria. Collection method: clinical testing. Allele origin: germline. Observed: 1 variant allele.
Comment: p.Cys931Cys in exon 11 of TERT: This variant is not expected to have clinical si gnificance because it does not alter an amino acid residue and is not located wi thin the splice consensus sequence. It has been identified in 1/65072 European c hromosomes by the Exome Aggregation Consortium (ExAC .org; dbSNP rs764925909).